The following is an entry in ClinVar:

NM_002601.4(PDE6D):c.40G>A (p.Gly14Ser)

Gene: PDE6D (phosphodiesterase 6D; minus strand). Cytogenetic location: 2q37.1.
Variant type: single nucleotide variant.
Coding change: c.40G>A on transcript NM_002601.4 (MANE Select); coding-DNA position 40, G replaced by A.
Protein change: p.Gly14Ser; replaces glycine 14 with serine.
Molecular consequence: missense variant. On other transcripts: non-coding transcript variant (1).
Genome position (GRCh38, 1-based): chr2:231,781,075, C>T on the plus strand (G>A on the coding strand, the complement: PDE6D is on the minus strand). VCF-style: chr2-231781075-C-T. GRCh37 (hg19) VCF-style: chr2-232645785-C-T.
Other names: c.40G>A, p.Gly14Ser (NM_001291018.2); short protein forms G14S.
Identifiers: ClinVar variation 1441633 (VCV001441633.8), dbSNP rs1366113264, ClinGen allele CA350979363.

ClinVar aggregate classification (germline): Uncertain significance (1 of 4 stars; one submission).

Conditions:
Joubert syndrome 22 (JBTS22). Identifiers: Orphanet 2754, MedGen C3810278, MONDO:0014297, OMIM 615665.

Allele frequency attached by ClinVar (database versions not stated): gnomAD exomes below 0.00001 and 0.00001; TOPMed 0.00001.
gnomAD v4.1: 5 of 1,613,380 alleles (0.00031%); highest among the groups gnomAD compares: Non-Finnish European, 0.00042%; no homozygotes.

Submission:

Labcorp Genetics (formerly Invitae), Labcorp
Classification: Uncertain significance for Joubert syndrome 22. Last evaluated: 2021-05-10. Review status: criteria provided, single submitter. Criteria: Invitae Variant Classification Sherloc (09022015). Collection method: clinical testing. Allele origin: germline.
Comment: This sequence change replaces glycine with serine at codon 14 of the PDE6D protein (p.Gly14Ser). The glycine residue is highly conserved and there is a small physicochemical difference between glycine and serine. This variant is not present in population databases (ExAC no frequency). This variant has not been reported in the literature in individuals with PDE6D-related conditions. Algorithms developed to predict the effect of missense changes on protein structure and function are either unavailable or do not agree on the potential impact of this missense change (SIFT: "Deleterious"; PolyPhen-2: "Probably Damaging"; Align-GVGD: "Class C0"). In summary, the available evidence is currently insufficient to determine the role of this variant in disease. Therefore, it has been classified as a Variant of Uncertain Significance.